The following is an entry in ClinVar:

ClinVar aggregate classification (germline): Uncertain significance. Review status: criteria provided, multiple submitters, no conflicts (2 of 4 stars). 3 submissions from 3 submitters: Uncertain significance (3). Last evaluated 2026-03-02.

Conditions:
SCLT1-related disorder. Also called: SCLT1-related condition.

Allele frequency attached by ClinVar (database versions not stated): gnomAD 0.00001; gnomAD exomes 0.00004 and 0.00009; TOPMed 0.00004; ExAC 0.00009.
gnomAD v4.1: 23 of 1,602,440 alleles (0.0014%); highest among the groups gnomAD compares: Admixed American, 0.039%; no homozygotes.

Submissions (3):

PreventionGenetics, part of Exact Sciences
Classification: Uncertain significance for SCLT1-related condition. Last evaluated: 2026-03-02. Review status: criteria provided, single submitter. Criteria: ACMG Guidelines, 2015. Collection method: clinical testing. Allele origin: germline.
Comment: The SCLT1 c.524A>G variant is predicted to result in the amino acid substitution p.His175Arg. To our knowledge, this variant has not been reported in the literature. This variant is reported in 0.064% of alleles in individuals of Latino descent in gnomAD. Although we suspect that this variant may be benign, at this time, the clinical significance of this variant is uncertain due to the absence of conclusive functional and genetic evidence.

Ambry Genetics
Classification: Uncertain significance. Last evaluated: 2024-11-27. Review status: criteria provided, single submitter. Criteria: Ambry Variant Classification Scheme 2023. Collection method: clinical testing. Allele origin: germline.

Labcorp Genetics (formerly Invitae), Labcorp
Classification: Uncertain significance. Last evaluated: 2022-10-05. Review status: criteria provided, single submitter. Criteria: Invitae Variant Classification Sherloc (09022015). Collection method: clinical testing. Allele origin: germline.
Comment: This sequence change replaces histidine, which is basic and polar, with arginine, which is basic and polar, at codon 175 of the SCLT1 protein (p.His175Arg). This variant is present in population databases (rs780031158, gnomAD 0.06%). This variant has not been reported in the literature in individuals affected with SCLT1-related conditions. ClinVar contains an entry for this variant (Variation ID: 1367307). Algorithms developed to predict the effect of missense changes on protein structure and function (SIFT, PolyPhen-2, Align-GVGD) all suggest that this variant is likely to be disruptive. In summary, the available evidence is currently insufficient to determine the role of this variant in disease. Therefore, it has been classified as a Variant of Uncertain Significance.

NM_144643.4(SCLT1):c.524A>G (p.His175Arg)

Gene: SCLT1 (sodium channel and clathrin linker 1; minus strand). Cytogenetic location: 4q28.2.
Variant type: single nucleotide variant.
Coding change: c.524A>G on transcript NM_144643.4 (MANE Select); coding-DNA position 524, A replaced by G.
Protein change: p.His175Arg; replaces histidine 175 with arginine.
Molecular consequence: missense variant.
Genome position (GRCh38, 1-based): chr4:128,999,697, T>C on the plus strand (A>G on the coding strand, the complement: SCLT1 is on the minus strand). VCF-style: chr4-128999697-T-C. GRCh37 (hg19) VCF-style: chr4-129920852-T-C.
Other names: c.524A>G (NM_144643.2, NM_144643.3); short protein forms H175R.
Identifiers: ClinVar variation 1367307 (VCV001367307.8), dbSNP rs780031158, ClinGen allele CA3079920.
Genomic context (GRCh38, chr4:128,999,697, plus strand): 5'-TTGATATACAAGAAAATGATGAAATCCAAGATTACCTTTTGTTTTTGACTTTCAAATACA[T>C]GAATCTGGGCCTCAGTCATATGTTCCTGGTAAAGCTTGTGTAGTCTGTCCAACTCCTGAG-3'
Protein context (NP_653244.2, residues 165-185): YQEHMTEAQI[His175Arg]VFESQKQKDQ